The following is an entry in ClinVar:

ClinVar aggregate classification (germline): Conflicting classifications of pathogenicity. Review status: criteria provided, conflicting classifications (1 of 4 stars). 2 submissions from 2 submitters: Uncertain significance (1); Likely benign (1). Last evaluated 2025-10-01.

Allele frequency attached by ClinVar (database versions not stated): gnomAD 0.00001; ExAC 0.00002.
gnomAD v4.1: 28 of 1,613,754 alleles (0.0017%); highest among the groups gnomAD compares: Admixed American, 0.0033%; no homozygotes.

Submissions (2):

CeGaT Center for Human Genetics Tuebingen
Classification: Likely benign. Last evaluated: 2025-10-01. Review status: criteria provided, single submitter. Criteria: CeGaT Center For Human Genetics Tuebingen Variant Classification Criteria Version 2. Collection method: clinical testing. Allele origin: germline. Affected: yes. Observed: 1 variant allele.
Comment: CCND2: BP4

Labcorp Genetics (formerly Invitae), Labcorp
Classification: Uncertain significance. Last evaluated: 2023-06-25. Review status: criteria provided, single submitter. Criteria: Invitae Variant Classification Sherloc (09022015). Collection method: clinical testing. Allele origin: germline.
Comment: This sequence change replaces alanine, which is neutral and non-polar, with valine, which is neutral and non-polar, at codon 252 of the CCND2 protein (p.Ala252Val). This variant is present in population databases (rs781695497, gnomAD 0.006%). This variant has not been reported in the literature in individuals affected with CCND2-related conditions. Advanced modeling of protein sequence and biophysical properties (such as structural, functional, and spatial information, amino acid conservation, physicochemical variation, residue mobility, and thermodynamic stability) performed at Invitae indicates that this missense variant is not expected to disrupt CCND2 protein function. In summary, the available evidence is currently insufficient to determine the role of this variant in disease. Therefore, it has been classified as a Variant of Uncertain Significance.

NM_001759.4(CCND2):c.755C>T (p.Ala252Val)

Gene: CCND2 (cyclin D2; plus strand). Cytogenetic location: 12p13.32.
Variant type: single nucleotide variant.
Coding change: c.755C>T on transcript NM_001759.4 (MANE Select); coding-DNA position 755, C replaced by T.
Protein change: p.Ala252Val; replaces alanine 252 with valine.
Molecular consequence: missense variant.
Genome position (GRCh38, 1-based): chr12:4,299,894, C>T. VCF-style: chr12-4299894-C-T. GRCh37 (hg19) VCF-style: chr12-4409060-C-T.
Other names: short protein forms A252V.
Identifiers: ClinVar variation 2989027 (VCV002989027.10), dbSNP rs781695497, ClinGen allele CA6395322.